The following is an entry in ClinVar:

NM_002470.4(MYH3):c.1421T>C (p.Leu474Pro)

Gene: MYH3 (myosin heavy chain 3; minus strand). Cytogenetic location: 17p13.1.
Variant type: single nucleotide variant.
Coding change: c.1421T>C on transcript NM_002470.4 (MANE Select); coding-DNA position 1421, T replaced by C.
Protein change: p.Leu474Pro; replaces leucine 474 with proline.
Molecular consequence: missense variant.
Genome position (GRCh38, 1-based): chr17:10,642,986, A>G on the plus strand (T>C on the coding strand, the complement: MYH3 is on the minus strand). VCF-style: chr17-10642986-A-G. GRCh37 (hg19) VCF-style: chr17-10546303-A-G.
Other names: short protein forms L474P.
Identifiers: ClinVar variation 2634010 (VCV002634010.3), dbSNP rs2508614280, ClinGen allele CA398173108.

ClinVar aggregate classification (germline): Uncertain significance (0 of 4 stars; one submission).

Conditions:
MYH3-related disorder. Also called: MYH3-Related Disorders; MYH3-related condition. Identifiers: MedGen CN239329.

Submission:

PreventionGenetics, part of Exact Sciences
Classification: Uncertain significance for MYH3-related condition. Last evaluated: 2023-10-18. Review status: no assertion criteria provided. Collection method: clinical testing. Allele origin: germline.
Comment: The MYH3 c.1421T>C variant is predicted to result in the amino acid substitution p.Leu474Pro. To our knowledge, this variant has not been reported in the literature or in a large population database, indicating this variant is rare. This variant was found to segregate with MYH3-related phenotypes in a family (internal Data). Although we suspect that this variant may be pathogenic, at this time, the clinical significance of this variant is uncertain due to the absence of conclusive functional and genetic evidence.